The following is an entry in ClinVar:

NM_001182.5(ALDH7A1):c.56C>T (p.Ser19Phe)

Gene: ALDH7A1 (aldehyde dehydrogenase 7 family member A1; minus strand). Cytogenetic location: 5q23.2.
Variant type: single nucleotide variant.
Coding change: c.56C>T on transcript NM_001182.5 (MANE Select); coding-DNA position 56, C replaced by T.
Protein change: p.Ser19Phe; replaces serine 19 with phenylalanine.
Molecular consequence: missense variant. On other transcripts: 5 prime UTR variant (1).
Genome position (GRCh38, 1-based): chr5:126,595,143, G>A on the plus strand (C>T on the coding strand, the complement: ALDH7A1 is on the minus strand). VCF-style: chr5-126595143-G-A. GRCh37 (hg19) VCF-style: chr5-125930835-G-A.
Other names: p.S19F:TCT>TTT; c.-29C>T (NM_001201377.2); c.56C>T, p.Ser19Phe (NM_001202404.2); short protein forms S19F.
Identifiers: ClinVar variation 204855 (VCV000204855.17), dbSNP rs566243475, ClinGen allele CA313217.

ClinVar aggregate classification (germline): Uncertain significance. Review status: criteria provided, multiple submitters, no conflicts (2 of 4 stars). 5 submissions from 5 submitters: Uncertain significance (5). Last evaluated 2025-05-02.

Conditions:
Inborn genetic diseases. Identifiers: MedGen C0950123, MeSH D030342.
Pyridoxine-dependent epilepsy (EPEO4). Also called: Pyridoxine-Dependent Seizures; Pyridoxine-Dependent Epilepsy - ALDH7A1; PYRIDOXINE DEPENDENCY WITH SEIZURES; EPILEPSY, EARLY-ONSET, 4, VITAMIN B6-DEPENDENT. Identifiers: Orphanet 3006, MedGen C1849508, MONDO:0009945, OMIM 266100. Disease mechanism: loss of function.

Allele frequency attached by ClinVar (database versions not stated): TOPMed 0.00003; gnomAD exomes below 0.00001; gnomAD 0.00003.

Submissions (5):

GeneDx
Classification: Uncertain significance. Last evaluated: 2025-05-02. Review status: criteria provided, single submitter. Criteria: GeneDx Variant Classification Process June 2021. Collection method: clinical testing. Allele origin: germline. Affected: yes.
Comment: Not observed at significant frequency in large population cohorts (gnomAD); In silico analysis supports that this missense variant does not alter protein structure/function; Has not been previously published as pathogenic or benign to our knowledge

Genome-Nilou Lab
Classification: Uncertain significance for Pyridoxine-dependent epilepsy. Last evaluated: 2023-04-11. Review status: criteria provided, single submitter. Criteria: ACMG Guidelines, 2015. Collection method: clinical testing. Allele origin: germline. Affected: no.

Labcorp Genetics (formerly Invitae), Labcorp
Classification: Uncertain significance for Pyridoxine-dependent epilepsy. Last evaluated: 2022-07-05. Review status: criteria provided, single submitter. Criteria: Invitae Variant Classification Sherloc (09022015). Collection method: clinical testing. Allele origin: germline.
Comment: This sequence change replaces serine, which is neutral and polar, with phenylalanine, which is neutral and non-polar, at codon 19 of the ALDH7A1 protein (p.Ser19Phe). This variant is present in population databases (no rsID available, gnomAD 0.02%). This variant has not been reported in the literature in individuals affected with ALDH7A1-related conditions. ClinVar contains an entry for this variant (Variation ID: 204855). Advanced modeling of protein sequence and biophysical properties (such as structural, functional, and spatial information, amino acid conservation, physicochemical variation, residue mobility, and thermodynamic stability) performed at Invitae indicates that this missense variant is not expected to disrupt ALDH7A1 protein function. In summary, the available evidence is currently insufficient to determine the role of this variant in disease. Therefore, it has been classified as a Variant of Uncertain Significance.

Illumina Laboratory Services, Illumina
Classification: Uncertain significance for Pyridoxine-dependent epilepsy. Last evaluated: 2018-01-12. Review status: criteria provided, single submitter. Criteria: ICSL Variant Classification Criteria 13 December 2019. Collection method: clinical testing. Allele origin: germline.

Ambry Genetics
Classification: Uncertain significance for Inborn genetic diseases. Last evaluated: 2017-06-07. Review status: criteria provided, single submitter. Criteria: Ambry Variant Classification Scheme 2023. Collection method: clinical testing. Allele origin: germline.
Comment: The p.S19F variant (also known as c.56C>T), located in coding exon 1 of the ALDH7A1 gene, results from a C to T substitution at nucleotide position 56. The serine at codon 19 is replaced by phenylalanine, an amino acid with highly dissimilar properties. This amino acid position is poorly conserved in available vertebrate species. In addition, this alteration is predicted to be tolerated by in silico analysis. Since supporting evidence is limited at this time, the clinical significance of this alteration remains unclear.